The following is an entry in ClinVar:

ClinVar aggregate classification (germline): Likely benign. Review status: criteria provided, single submitter (1 of 4 stars). 2 submissions from 2 submitters: Likely benign (1). 1 of the submissions does not count toward it. Last evaluated 2024-10-18.

Conditions:
BRSK2-related disorder. Also called: BRSK2-related condition; BRSK2-Related Disorders.

Allele frequency attached by ClinVar (database versions not stated): ExAC 0.00005; gnomAD 0.00013; TOPMed 0.00015; ESP Exome Variant Server 0.00016; gnomAD exomes 0.00017.
gnomAD v4.1: 267 of 1,601,042 alleles (0.017%); highest among the groups gnomAD compares: Middle Eastern, 0.033%; no homozygotes.

Submissions (2):

Blueprint Genetics
Classification: Likely benign. Last evaluated: 2024-10-18. Review status: criteria provided, single submitter. Criteria: ACMG Guidelines, 2015. Collection method: clinical testing. Allele origin: germline.

PreventionGenetics, part of Exact Sciences
Classification: Likely benign for BRSK2-related condition. Last evaluated: 2021-04-19. Review status: no assertion criteria provided. Collection method: clinical testing. Allele origin: germline. Not counted in ClinVar's aggregate classification.
Comment: This variant is classified as likely benign based on ACMG/AMP sequence variant interpretation guidelines (Richards et al. 2015 PMID: 25741868, with internal and published modifications).

NM_001256627.2(BRSK2):c.1431G>A (p.Ala477=)

Gene: BRSK2 (BR serine/threonine kinase 2; plus strand). Cytogenetic location: 11p15.5.
Variant type: single nucleotide variant.
Coding change: c.1431G>A on transcript NM_001256627.2 (MANE Select); coding-DNA position 1431, G replaced by A.
Protein change: p.Ala477=; no amino-acid change (alanine 477 retained).
Molecular consequence: synonymous variant. On other transcripts: non-coding transcript variant (1).
Genome position (GRCh38, 1-based): chr11:1,450,730, G>A. VCF-style: chr11-1450730-G-A. GRCh37 (hg19) VCF-style: chr11-1471960-G-A.
Other names: c.1431G>A, p.Ala477= (NM_001256629.2, NM_003957.4); c.1569G>A, p.Ala523= (NM_001256630.1); c.1251G>A, p.Ala417= (NM_001282218.2).
Identifiers: ClinVar variation 3051167 (VCV003051167.3), dbSNP rs368914488, ClinGen allele CA5811047.